The following is an entry in ClinVar:

ClinVar aggregate classification (germline): Benign/Likely benign. Review status: criteria provided, multiple submitters, no conflicts (2 of 4 stars). 6 submissions from 6 submitters: Benign (4); Likely benign (2). Last evaluated 2026-02-01.

Conditions:
SLC1A3-related disorder. Also called: SLC1A3-related condition.
Episodic ataxia type 6. Identifiers: Orphanet 209967, MedGen C2675211, MONDO:0012982, OMIM 612656.

Allele frequency attached by ClinVar (database versions not stated): 1000 Genomes Project 30x 0.00078; TOPMed 0.00079; ESP Exome Variant Server 0.00092; 1000 Genomes Project 0.00100; gnomAD exomes 0.00201 and 0.00336; gnomAD 0.00318 and 0.00342; ExAC 0.00324.
gnomAD v4.1: 3,412 of 1,614,020 alleles (0.21%); highest among the groups gnomAD compares: Non-Finnish European, 0.12%; 31 homozygotes.

Submissions (6):

Labcorp Genetics (formerly Invitae), Labcorp
Classification: Benign. Last evaluated: 2026-02-01. Review status: criteria provided, single submitter. Criteria: Invitae Variant Classification Sherloc (09022015). Collection method: clinical testing. Allele origin: germline.

CeGaT Center for Human Genetics Tuebingen
Classification: Likely benign. Last evaluated: 2025-11-01. Review status: criteria provided, single submitter. Criteria: CeGaT Center For Human Genetics Tuebingen Variant Classification Criteria Version 2. Collection method: clinical testing. Allele origin: germline. Affected: yes. Observed: 10 variant alleles.
Comment: SLC1A3: BP4, BP7

PreventionGenetics, part of Exact Sciences
Classification: Benign for SLC1A3-related condition. Last evaluated: 2025-09-04. Review status: criteria provided, single submitter. Criteria: ACMG Guidelines, 2015. Collection method: clinical testing. Allele origin: germline.
Comment: This variant is classified as benign based on ACMG/AMP sequence variant interpretation guidelines (Richards et al. 2015 PMID: 25741868, with internal and published modifications).

Blueprint Genetics
Classification: Likely benign. Last evaluated: 2024-11-21. Review status: criteria provided, single submitter. Criteria: ACMG Guidelines, 2015. Collection method: clinical testing. Allele origin: germline.

Athena Diagnostics
Classification: Benign. Last evaluated: 2021-04-13. Review status: criteria provided, single submitter. Criteria: Athena Diagnostics criteria. Collection method: clinical testing. Allele origin: unknown.

Illumina Laboratory Services, Illumina
Classification: Benign for Episodic ataxia type 6. Last evaluated: 2018-01-13. Review status: criteria provided, single submitter. Criteria: ICSL Variant Classification Criteria 13 December 2019. Collection method: clinical testing. Allele origin: germline.
Comment: This variant was observed in the ICSL laboratory as part of a predisposition screen in an ostensibly healthy population. It had not been previously curated by ICSL or reported in the Human Gene Mutation Database (HGMD: prior to June 1st, 2018), and was therefore a candidate for classification through an automated scoring system. Utilizing variant allele frequency, disease prevalence and penetrance estimates, and inheritance mode, an automated score was calculated to assess if this variant is too frequent to cause the disease. Based on the score and internal cut-off values, a variant classified as benign is not then subjected to further curation. The score for this variant resulted in a classification of benign for this disease.

NM_004172.5(SLC1A3):c.69T>A (p.Arg23=)

Gene: SLC1A3 (solute carrier family 1 member 3; plus strand). Cytogenetic location: 5p13.2.
Variant type: single nucleotide variant.
Coding change: c.69T>A on transcript NM_004172.5 (MANE Select); coding-DNA position 69, T replaced by A.
Protein change: p.Arg23=; no amino-acid change (arginine 23 retained).
Molecular consequence: synonymous variant.
Genome position (GRCh38, 1-based): chr5:36,608,492, T>A. VCF-style: chr5-36608492-T-A. GRCh37 (hg19) VCF-style: chr5-36608594-T-A.
Other names: c.69T>A, p.Arg23= (NM_001166695.3, NM_001166696.3, NM_001289939.2 and 1 more transcripts).
Identifiers: ClinVar variation 791028 (VCV000791028.40), dbSNP rs140080134, ClinGen allele CA3235320.